The following is an entry in ClinVar:

NM_001378778.1(MPDZ):c.5881G>A (p.Ala1961Thr)

Gene: MPDZ (multiple PDZ domain crumbs cell polarity complex component; minus strand). Cytogenetic location: 9p23.
Variant type: single nucleotide variant.
Coding change: c.5881G>A on transcript NM_001378778.1 (MANE Select); coding-DNA position 5881, G replaced by A.
Protein change: p.Ala1961Thr; replaces alanine 1961 with threonine.
Molecular consequence: missense variant.
Genome position (GRCh38, 1-based): chr9:13,110,013, C>T on the plus strand (G>A on the coding strand, the complement: MPDZ is on the minus strand). VCF-style: chr9-13110013-C-T. GRCh37 (hg19) VCF-style: chr9-13110012-C-T.
Other names: c.5782G>A, p.Ala1928Thr (NM_001261406.2, NM_001375416.1, NM_001375417.1 and 1 more transcripts); c.5695G>A, p.Ala1899Thr (NM_001261407.2, NM_001375419.1); c.5881G>A, p.Ala1961Thr (NM_001330637.2); c.5980G>A, p.Ala1994Thr (NM_001375413.1); c.5671G>A, p.Ala1891Thr (NM_001375420.1, NM_001375421.1, NM_001375422.1 and 2 more transcripts); c.5584G>A, p.Ala1862Thr (NM_001375425.1, NM_001375426.1); c.5473G>A, p.Ala1825Thr (NM_001375427.1); c.5794G>A, p.Ala1932Thr (NM_003829.5); short protein forms A1891T, A1961T, A1862T, A1899T, A1994T, A1928T, A1932T, A1825T.
Identifiers: ClinVar variation 1386417 (VCV001386417.8), dbSNP rs761562072, ClinGen allele CA4986057.

ClinVar aggregate classification (germline): Uncertain significance (1 of 4 stars; one submission).

Allele frequency attached by ClinVar (database versions not stated): gnomAD exomes below 0.00001; ExAC 0.00001.
gnomAD v4.1: 2 of 1,613,324 alleles (0.00012%); highest among the groups gnomAD compares: South Asian, 0.0022%; no homozygotes.

Submission:

Labcorp Genetics (formerly Invitae), Labcorp
Classification: Uncertain significance. Last evaluated: 2025-01-15. Review status: criteria provided, single submitter. Criteria: Invitae Variant Classification Sherloc (09022015). Collection method: clinical testing. Allele origin: germline.
Comment: This sequence change replaces alanine, which is neutral and non-polar, with threonine, which is neutral and polar, at codon 1932 of the MPDZ protein (p.Ala1932Thr). The frequency data for this variant in the population databases is considered unreliable, as metrics indicate poor data quality at this position in the gnomAD database. This variant has not been reported in the literature in individuals affected with MPDZ-related conditions. ClinVar contains an entry for this variant (Variation ID: 1386417). An algorithm developed to predict the effect of missense changes on protein structure and function outputs the following: PolyPhen-2: "Benign". The threonine amino acid residue is found in multiple mammalian species, which suggests that this missense change does not adversely affect protein function. In summary, the available evidence is currently insufficient to determine the role of this variant in disease. Therefore, it has been classified as a Variant of Uncertain Significance.